The following is an entry in ClinVar:

ClinVar aggregate classification (germline): Uncertain significance (1 of 4 stars; one submission).

Allele frequency attached by ClinVar (database versions not stated): ExAC 0.00001; gnomAD exomes 0.00002.
gnomAD v4.1: 26 of 1,614,106 alleles (0.0016%); highest among the groups gnomAD compares: South Asian, 0.0044%; no homozygotes.

Submission:

Labcorp Genetics (formerly Invitae), Labcorp
Classification: Uncertain significance. Last evaluated: 2023-01-19. Review status: criteria provided, single submitter. Criteria: Invitae Variant Classification Sherloc (09022015). Collection method: clinical testing. Allele origin: germline.
Comment: In summary, the available evidence is currently insufficient to determine the role of this variant in disease. Therefore, it has been classified as a Variant of Uncertain Significance. Algorithms developed to predict the effect of missense changes on protein structure and function are either unavailable or do not agree on the potential impact of this missense change (SIFT: "Deleterious"; PolyPhen-2: "Possibly Damaging"; Align-GVGD: "Class C0"). This variant has not been reported in the literature in individuals affected with TNFAIP3-related conditions. This variant is present in population databases (rs773988691, gnomAD 0.003%). This sequence change replaces threonine, which is neutral and polar, with asparagine, which is neutral and polar, at codon 668 of the TNFAIP3 protein (p.Thr668Asn).

NM_001270508.2(TNFAIP3):c.2003C>A (p.Thr668Asn)

Gene: TNFAIP3 (TNF alpha induced protein 3; plus strand). Cytogenetic location: 6q23.3.
Variant type: single nucleotide variant.
Coding change: c.2003C>A on transcript NM_001270508.2 (MANE Select); coding-DNA position 2003, C replaced by A.
Protein change: p.Thr668Asn; replaces threonine 668 with asparagine.
Molecular consequence: missense variant.
Genome position (GRCh38, 1-based): chr6:137,880,167, C>A. VCF-style: chr6-137880167-C-A. GRCh37 (hg19) VCF-style: chr6-138201304-C-A.
Other names: c.2003C>A, p.Thr668Asn (NM_006290.4, NM_001270507.2); short protein forms T668N.
Identifiers: ClinVar variation 1988146 (VCV001988146.4), dbSNP rs773988691, ClinGen allele CA4019772.